The following is an entry in ClinVar:

ClinVar aggregate classification (germline): Uncertain significance. Review status: criteria provided, multiple submitters, no conflicts (2 of 4 stars). 2 submissions from 2 submitters: Uncertain significance (2). Last evaluated 2024-12-09.

Conditions:
Congenital myasthenic syndrome 13 (CMS13). Also called: Myasthenic syndrome, congenital, 13, with tubular aggregates; Myasthenic syndrome, congenital, with tubular aggregates 2. Identifiers: Orphanet 353327, Orphanet 590, MedGen C3553645, MONDO:0013883, OMIM 614750.
DPAGT1-congenital disorder of glycosylation. Also called: CONGENITAL DISORDER OF GLYCOSYLATION, TYPE Ij; CDG Ij; DPAGT1-CDG. Identifiers: Orphanet 86309, MedGen C2931004, MONDO:0011964, OMIM 608093.

Allele frequency attached by ClinVar (database versions not stated): gnomAD exomes below 0.00001; gnomAD 0.00001 and 0.00002; 1000 Genomes Project 30x 0.00031; TOPMed 0.00001; 1000 Genomes Project 0.00020.

Submissions (2):

Dasa
Classification: Uncertain significance. Last evaluated: 2024-12-09. Review status: criteria provided, single submitter. Criteria: DASA Assertion Criteria. Collection method: clinical testing. Allele origin: germline.
Comment: NM_001382.4(DPAGT1):c.1192C>T (p.Arg398*) is a nonsense variant in DPAGT1 predicted to introduce a premature termination codon and is predicted to result in an absent or altered protein product. This variant is rare in population databases. The currently available literature and clinical evidence are not sufficient to establish a definitive association between this variant and the reported condition. Therefore, this variant is classified as a variant of uncertain significance.

Labcorp Genetics (formerly Invitae), Labcorp
Classification: Uncertain significance for Congenital myasthenic syndrome 13; DPAGT1-congenital disorder of glycosylation. Last evaluated: 2021-08-12. Review status: criteria provided, single submitter. Criteria: Invitae Variant Classification Sherloc (09022015). Collection method: clinical testing. Allele origin: germline.

NM_001382.4(DPAGT1):c.1192C>T (p.Arg398Ter)

Gene: DPAGT1 (dolichyl-phosphate N-acetylglucosaminephosphotransferase 1; minus strand). Cytogenetic location: 11q23.3.
Variant type: single nucleotide variant.
Coding change: c.1192C>T on transcript NM_001382.4 (MANE Select); coding-DNA position 1192, C replaced by T.
Protein change: p.Arg398Ter; replaces arginine 398 with a stop codon.
Molecular consequence: nonsense.
Genome position (GRCh38, 1-based): chr11:119,097,033, G>A on the plus strand (C>T on the coding strand, the complement: DPAGT1 is on the minus strand). VCF-style: chr11-119097033-G-A. GRCh37 (hg19) VCF-style: chr11-118967743-G-A.
Other names: short protein forms R398*.
Identifiers: ClinVar variation 1361337 (VCV001361337.5), dbSNP rs187919120, ClinGen allele CA229601560.